The following is an entry in ClinVar:

ClinVar aggregate classification (germline): Uncertain significance (1 of 4 stars; one submission).

Conditions:
Congenital myasthenic syndrome 8. Also called: Myasthenic syndrome, congenital, 8, with pre- and postsynaptic defects; MYASTHENIC SYNDROME, CONGENITAL, DUE TO AGRIN DEFICIENCY. Identifiers: Orphanet 590, MedGen C3808739, MONDO:0014052, OMIM 615120.

Allele frequency attached by ClinVar (database versions not stated): TOPMed 0.00001.
gnomAD v4.1: 30 of 1,607,676 alleles (0.0019%); highest among the groups gnomAD compares: Non-Finnish European, 0.0024%; no homozygotes.

Submission:

Labcorp Genetics (formerly Invitae), Labcorp
Classification: Uncertain significance for Congenital myasthenic syndrome 8. Last evaluated: 2022-11-08. Review status: criteria provided, single submitter. Criteria: Invitae Variant Classification Sherloc (09022015). Collection method: clinical testing. Allele origin: germline.
Comment: In summary, the available evidence is currently insufficient to determine the role of this variant in disease. Therefore, it has been classified as a Variant of Uncertain Significance. Variants that disrupt the consensus splice site are a relatively common cause of aberrant splicing (PMID: 17576681, 9536098). Algorithms developed to predict the effect of sequence changes on RNA splicing suggest that this variant may create or strengthen a splice site. ClinVar contains an entry for this variant (Variation ID: 1436212). This variant has not been reported in the literature in individuals affected with AGRN-related conditions. This variant is present in population databases (no rsID available, gnomAD 0.005%). This sequence change falls in intron 29 of the AGRN gene. It does not directly change the encoded amino acid sequence of the AGRN protein. It affects a nucleotide within the consensus splice site.

Literature cited by the submitters: PubMed 17576681; PubMed 9536098.

NM_198576.4(AGRN):c.5141+5G>T

Gene: AGRN (agrin; plus strand). Cytogenetic location: 1p36.33.
Variant type: single nucleotide variant.
Coding change: c.5141+5G>T on transcript NM_198576.4 (MANE Select); 5 bases into the intron after coding-DNA position 5141, G replaced by T.
Molecular consequence: intron variant.
Genome position (GRCh38, 1-based): chr1:1,050,596, G>T. VCF-style: chr1-1050596-G-T. GRCh37 (hg19) VCF-style: chr1-985976-G-T.
Other names: c.5141+5G>T (NM_001305275.2); c.4826+5G>T (NM_001364727.2).
Identifiers: ClinVar variation 1436212 (VCV001436212.4), dbSNP rs778508611, ClinGen allele CA520625229.